The following is an entry in ClinVar:

ClinVar aggregate classification (germline): Uncertain significance (1 of 4 stars; one submission).

gnomAD v4.1: 2 of 1,613,470 alleles (0.00012%); highest among the groups gnomAD compares: Non-Finnish European, 0.00017%; no homozygotes.

Submission:

Ambry Genetics
Classification: Uncertain significance. Last evaluated: 2025-02-13. Review status: criteria provided, single submitter. Criteria: Ambry Variant Classification Scheme 2023. Collection method: clinical testing. Allele origin: germline.
Comment: The p.T752I variant (also known as c.2255C>T), located in coding exon 13 of the GEN1 gene, results from a C to T substitution at nucleotide position 2255. The threonine at codon 752 is replaced by isoleucine, an amino acid with similar properties. This amino acid position is conserved. In addition, this alteration is predicted to be tolerated by in silico analysis. Based on the available evidence, the clinical significance of this variant remains unclear.

NM_001130009.3(GEN1):c.2255C>T (p.Thr752Ile)

Gene: GEN1 (GEN1 Holliday junction 5' flap endonuclease; plus strand). Cytogenetic location: 2p24.2.
Variant type: single nucleotide variant.
Coding change: c.2255C>T on transcript NM_001130009.3 (MANE Select); coding-DNA position 2255, C replaced by T.
Protein change: p.Thr752Ile; replaces threonine 752 with isoleucine.
Molecular consequence: missense variant.
Genome position (GRCh38, 1-based): chr2:17,781,467, C>T. VCF-style: chr2-17781467-C-T. GRCh37 (hg19) VCF-style: chr2-17962734-C-T.
Other names: c.2255C>T, p.Thr752Ile (NM_182625.5); short protein forms T752I.
Identifiers: ClinVar variation 3853568 (VCV003853568.1).
Genomic context (GRCh38, chr2:17,781,467, plus strand): 5'-CCAGAGACTCTAAAATTCTAAAAGGAGACCAGCTGCTTCAAGAAGACTATAAAGTCAATA[C>T]TTCTGTCCCTTATTCTGTCAGTAACACAGTGGTAAAGACCTGCAATGTTAGACCACCAAA-3'
Protein context (NP_001123481.3, residues 742-762): QLLQEDYKVN[Thr752Ile]SVPYSVSNTV